The following is an entry in ClinVar:

ClinVar aggregate classification (germline): Pathogenic (1 of 4 stars; one submission).

Conditions:
Primary ciliary dyskinesia. Also called: Ciliary dyskinesia. Identifiers: Orphanet 244, MedGen C0008780, MONDO:0016575, HP:0012265.

Allele frequency attached by ClinVar (database versions not stated): gnomAD exomes below 0.00001.

Submission:

Labcorp Genetics (formerly Invitae), Labcorp
Classification: Pathogenic for Primary ciliary dyskinesia. Last evaluated: 2024-02-04. Review status: criteria provided, single submitter. Criteria: Invitae Variant Classification Sherloc (09022015). Collection method: clinical testing. Allele origin: germline.
Comment: This sequence change creates a premature translational stop signal (p.Glu34Alafs*71) in the DNAH11 gene. It is expected to result in an absent or disrupted protein product. Loss-of-function variants in DNAH11 are known to be pathogenic (PMID: 18022865, 20513915, 22184204). This variant is not present in population databases (gnomAD no frequency). This variant has not been reported in the literature in individuals affected with DNAH11-related conditions. For these reasons, this variant has been classified as Pathogenic.

Literature cited by the submitters: PubMed 18022865; PubMed 20513915; PubMed 22184204.

NM_001277115.2(DNAH11):c.99_100del (p.Glu34fs)

Gene: DNAH11 (dynein axonemal heavy chain 11; plus strand). Cytogenetic location: 7p15.3.
Variant type: Deletion.
Coding change: c.99_100del on transcript NM_001277115.2 (MANE Select); coding-DNA positions 99 to 100, 2 bases deleted (GG; older notation c.99_100delGG).
Protein change: p.Glu34fs; shifts the reading frame from glutamic acid 34.
Molecular consequence: frameshift variant.
Genome position (GRCh38, 1-based): chr7:21,543,344-21,543,345, GG deleted. VCF-style (leftmost placement, unchanged base first): chr7-21543343-TGG-T. GRCh37 (hg19) VCF-style: chr7-21582961-TGG-T.
Other names: c.99_100delGG, p.Glu34Alafs (NM_003777.3); short protein forms E34fs.
Identifiers: ClinVar variation 2909289 (VCV002909289.3), dbSNP rs2534409365, ClinGen allele CA2681975859.
Genomic context (GRCh38, chr7:21,543,343, plus strand): 5'-TCAGAGAAGCCCCGACCCTTCGCCTAACCTCGGGGGCCGGCCTGGAGGCAGTGGGCGCTG[TGG>T]AGCTCGAGGAGGAGGAGGAGAACGAGGAGGAGGCGGCGGCCAGGAGAGCGCGGAGTTTCG-3'